The following is an entry in ClinVar:

NC_000011.9:g.(?_64522725)_(64527370_?)del

Gene: PYGM (glycogen phosphorylase, muscle associated; minus strand). Cytogenetic location: 11q13.1.
Variant type: Deletion.
Identifiers: ClinVar variation 3244534 (VCV003244534.1).

ClinVar aggregate classification (germline): Pathogenic (1 of 4 stars; one submission).

Conditions:
Glycogen storage disease, type V (GSD5). Also called: MCARDLE DISEASE; PYGM DEFICIENCY; McArdle type glycogen storage disease; MUSCLE GLYCOGEN PHOSPHORYLASE DEFICIENCY; MYOPHOSPHORYLASE DEFICIENCY. Identifiers: Orphanet 368, MedGen C0017924, MONDO:0009293, OMIM 232600.

Submission:

Labcorp Genetics (formerly Invitae), Labcorp
Classification: Pathogenic for Glycogen storage disease, type V. Last evaluated: 2023-10-22. Review status: criteria provided, single submitter. Criteria: Invitae Variant Classification Sherloc (09022015). Collection method: clinical testing. Allele origin: unknown.
Comment: This variant is a gross deletion of the genomic region encompassing exon(s) 1-7 of the PYGM gene, which includes the initiator codon. This deletion extends beyond the assayed region for this gene and therefore may encompass additional genes. It is expected to result in an absent or disrupted protein product. Loss-of-function variants in PYGM are known to be pathogenic (PMID: 8316268, 16786513). This variant has not been reported in the literature in individuals affected with PYGM-related conditions. For these reasons, this variant has been classified as Pathogenic.

Literature cited by the submitters: PubMed 8316268; PubMed 16786513.